The following is an entry in ClinVar:

NM_002476.2(MYL4):c.135+1G>A

Gene: MYL4 (myosin light chain 4; plus strand). Cytogenetic location: 17q21.32.
Variant type: single nucleotide variant.
Coding change: c.135+1G>A on transcript NM_002476.2 (MANE Select); the canonical splice donor site of the intron after coding-DNA position 135, G replaced by A.
Molecular consequence: splice donor variant.
Genome position (GRCh38, 1-based): chr17:47,209,558, G>A. VCF-style: chr17-47209558-G-A. GRCh37 (hg19) VCF-style: chr17-45286924-G-A.
Other names: c.135+1G>A (NM_001002841.2).
Identifiers: ClinVar variation 2147045 (VCV002147045.4), dbSNP rs1253171024, ClinGen allele CA400031301.

ClinVar aggregate classification (germline): Likely pathogenic (1 of 4 stars; one submission).

Conditions:
Atrial fibrillation, familial, 18 (ATFB18). Identifiers: MedGen C4310636, MONDO:0015001, OMIM 617280.

Allele frequency attached by ClinVar (database versions not stated): gnomAD exomes below 0.00001; gnomAD 0.00001; TOPMed 0.00001.
gnomAD v4.1: 3 of 1,614,082 alleles (0.00019%); highest among the groups gnomAD compares: Non-Finnish European, 0.00025%; no homozygotes.

Submission:

Labcorp Genetics (formerly Invitae), Labcorp
Classification: Likely pathogenic for Atrial fibrillation, familial, 18. Last evaluated: 2024-10-14. Review status: criteria provided, single submitter. Criteria: Invitae Variant Classification Sherloc (09022015). Collection method: clinical testing. Allele origin: germline.
Comment: This sequence change affects a donor splice site in intron 2 of the MYL4 gene. It is expected to disrupt RNA splicing. Variants that disrupt the donor or acceptor splice site typically lead to a loss of protein function (PMID: 16199547), and loss-of-function variants in MYL4 are known to be pathogenic (PMID: 25807286, 27742809). This variant is present in population databases (no rsID available, gnomAD 0.0009%). This variant has not been reported in the literature in individuals affected with MYL4-related conditions. ClinVar contains an entry for this variant (Variation ID: 2147045). Algorithms developed to predict the effect of sequence changes on RNA splicing suggest that this variant may disrupt the consensus splice site. In summary, the currently available evidence indicates that the variant is pathogenic, but additional data are needed to prove that conclusively. Therefore, this variant has been classified as Likely Pathogenic.

Literature cited by the submitters: PubMed 16199547; PubMed 25807286; PubMed 27742809.